The following is an entry in ClinVar:

ClinVar aggregate classification (germline): Uncertain significance (1 of 4 stars; one submission).

Submission:

Institute for Human Genetics, University Hospital Essen
Classification: Uncertain significance. Last evaluated: 2025-11-27. Review status: criteria provided, single submitter. Criteria: Submitter's publication. Collection method: clinical testing. Allele origin: inherited. Inheritance: Autosomal unknown. Affected: yes. Observed: 1 variant allele, 1 compound heterozygote.
Comment: PM1_supp, PM2_supp, PM3 (criteria rationale detailed in Leitão et al. Nature Genetics 2026)

NR_199791.1(RNU2-2):n.181G>T

Genes: RNU2-2 (RNA, U2 small nuclear 2; minus strand), WDR74 (WD repeat domain 74; minus strand). Cytogenetic location: 11q12.3.
Variant type: single nucleotide variant.
Molecular consequence: non-coding transcript variant (on NR_199791.1). On other transcripts: 5 prime UTR variant (1).
Genome position: GRCh38 VCF-style: chr11-62841629-C-A. GRCh37 (hg19) VCF-style: chr11-62609101-C-A.
Other names: c.-358G>T (NM_001369451.1).
Identifiers: ClinVar variation 4540546 (VCV004540546.1).
Genomic context (GRCh38, chr11:62,841,629, plus strand): 5'-CCTAACTGATCGAAATCTTCCATTAAACAACGGTTGTTCTCTCCCCGAAGGGAGAGTGCA[C>A]CGTTCCTGGAAGTACTGCAATACCAGGTCGATGCGTGGAGTGGACGGAGCAAGCTCCTAT-3'